The following is an entry in ClinVar:

Conditions:
Arteriohepatic dysplasia. Also called: Alagille Syndrome. Identifiers: Orphanet 52, MedGen C0085280, MeSH D016738, MONDO:0007318.

Submission:

Gilbert/Spinner Lab, Children's Hospital of Philadelphia
No classification provided (evidence only). Condition: Alagille syndrome. Review status: no classification provided. Collection method: research. Allele origin: not applicable. Functional consequence: functionally_abnormal.
ClinVar note: "not provided" was previously submitted as the classification for the variant. However, the classification appeared to be based only on an observation of functional data so it was converted to no classification on 2025-07-30.

NM_000214.3(JAG1):c.934T>G (p.Cys312Gly)

Gene: JAG1 (jagged canonical Notch ligand 1; minus strand). Cytogenetic location: 20p12.2.
Variant type: single nucleotide variant.
Coding change: c.934T>G on transcript NM_000214.3 (MANE Select); coding-DNA position 934, T replaced by G.
Protein change: p.Cys312Gly; replaces cysteine 312 with glycine.
Molecular consequence: missense variant.
Genome position (GRCh38, 1-based): chr20:10,652,203, A>C on the plus strand (T>G on the coding strand, the complement: JAG1 is on the minus strand). VCF-style: chr20-10652203-A-C. GRCh37 (hg19) VCF-style: chr20-10632851-A-C.
Other names: short protein forms C312G.
Identifiers: ClinVar variation 3573193 (VCV003573193.2).